The following is an entry in ClinVar:

ClinVar aggregate classification (germline): Uncertain significance. Review status: criteria provided, multiple submitters, no conflicts (2 of 4 stars). 6 submissions from 5 submitters: Uncertain significance (5). 1 of the submissions does not count toward it. Last evaluated 2024-02-02.

Conditions:
Usher syndrome type 1 (USH1). Also called: RETINITIS PIGMENTOSA AND CONGENITAL DEAFNESS. Identifiers: Orphanet 231169, Orphanet 886, MedGen C1568247, MONDO:0010168, OMIM 276900.
Autosomal recessive nonsyndromic hearing loss 12. Also called: DEAFNESS, AUTOSOMAL RECESSIVE 12. Identifiers: Orphanet 90636, MedGen C1832394, MONDO:0011067, OMIM 601386.
Usher syndrome type 1D (USH1D). Also called: USHER SYNDROME, TYPE ID. Identifiers: Orphanet 231169, Orphanet 886, MedGen C1832845, MONDO:0010984, OMIM 601067.

Allele frequency attached by ClinVar (database versions not stated): gnomAD 0.00003 and 0.00004; TOPMed 0.00003; ExAC 0.00005.
gnomAD v4.1: 39 of 1,613,916 alleles (0.0024%); highest among the groups gnomAD compares: East Asian, 0.011%; no homozygotes.

Submissions (6):

Blueprint Genetics
Classification: Uncertain significance. Last evaluated: 2024-02-02. Review status: criteria provided, single submitter. Criteria: ACMG Guidelines, 2015. Collection method: clinical testing. Allele origin: germline.

Labcorp Genetics (formerly Invitae), Labcorp
Classification: Uncertain significance. Last evaluated: 2022-04-15. Review status: criteria provided, single submitter. Criteria: Invitae Variant Classification Sherloc (09022015). Collection method: clinical testing. Allele origin: germline.
Comment: This sequence change replaces valine, which is neutral and non-polar, with methionine, which is neutral and non-polar, at codon 69 of the CDH23 protein (p.Val69Met). This variant is present in population databases (rs563224115, gnomAD 0.02%). This variant has not been reported in the literature in individuals affected with CDH23-related conditions. ClinVar contains an entry for this variant (Variation ID: 878361). Algorithms developed to predict the effect of missense changes on protein structure and function are either unavailable or do not agree on the potential impact of this missense change (SIFT: "Deleterious"; PolyPhen-2: "Not Available"; Align-GVGD: "Class C0"). In summary, the available evidence is currently insufficient to determine the role of this variant in disease. Therefore, it has been classified as a Variant of Uncertain Significance.

GeneDx
Classification: Uncertain significance. Last evaluated: 2019-04-20. Review status: criteria provided, single submitter. Criteria: GeneDx Variant Classification Process June 2021. Collection method: clinical testing. Allele origin: germline. Affected: yes.
Comment: In silico analysis, which includes protein predictors and evolutionary conservation, supports that this variant does not alter protein structure/function; Has not been previously published as pathogenic or benign to our knowledge

Illumina Laboratory Services, Illumina
Classification: Uncertain significance for Usher syndrome type 1D. Last evaluated: 2017-04-27. Review status: criteria provided, single submitter. Criteria: ICSL Variant Classification Criteria 13 December 2019. Collection method: clinical testing. Allele origin: germline.

Illumina Laboratory Services, Illumina
Classification: Uncertain significance for Autosomal recessive nonsyndromic hearing loss 12. Last evaluated: 2017-04-27. Review status: criteria provided, single submitter. Criteria: ICSL Variant Classification Criteria 13 December 2019. Collection method: clinical testing. Allele origin: germline.

Natera, Inc.
Classification: Uncertain significance for Usher syndrome type 1. Last evaluated: 2020-02-04. Review status: no assertion criteria provided. Collection method: clinical testing. Allele origin: germline. Not counted in ClinVar's aggregate classification.

NM_022124.6(CDH23):c.205G>A (p.Val69Met)

Genes: CDH23 (cadherin related 23; plus strand), CDH23-AS1 (CDH23 antisense RNA 1; minus strand). Cytogenetic location: 10q22.1.
Variant type: single nucleotide variant.
Coding change: c.205G>A on transcript NM_022124.6 (MANE Select); coding-DNA position 205, G replaced by A.
Protein change: p.Val69Met; replaces valine 69 with methionine.
Molecular consequence: missense variant.
Genome position (GRCh38, 1-based): chr10:71,510,141, G>A. VCF-style: chr10-71510141-G-A. GRCh37 (hg19) VCF-style: chr10-73269898-G-A.
Other names: c.205G>A, p.Val69Met (NM_001171930.2, NM_001171931.2, NM_001171932.2 and 1 more transcripts); short protein forms V69M.
Identifiers: ClinVar variation 878361 (VCV000878361.9), dbSNP rs563224115, ClinGen allele CA5543322.
Genomic context (GRCh38, chr10:71,510,141, plus strand): 5'-GGTTCTTCTGTGACCCAGTTGCTGGCCCAAGACATGGACAATGACCCCCTGGTGTTTGGC[G>A]TGTCTGGGGAGGAGGCCTCTCGCTTCTTTGCAGTGGAGCCTGACACTGGCGTGGTGTGGC-3'
Protein context (NP_071407.4, residues 59-79): DMDNDPLVFG[Val69Met]SGEEASRFFA